The following is an entry in ClinVar:

NM_002184.4(IL6ST):c.2232T>G (p.Ser744Arg)

Gene: IL6ST (interleukin 6 cytokine family signal transducer; minus strand). Cytogenetic location: 5q11.2.
Variant type: single nucleotide variant.
Coding change: c.2232T>G on transcript NM_002184.4 (MANE Select); coding-DNA position 2232, T replaced by G.
Protein change: p.Ser744Arg; replaces serine 744 with arginine.
Molecular consequence: missense variant. On other transcripts: 3 prime UTR variant (1), non-coding transcript variant (2).
Genome position (GRCh38, 1-based): chr5:55,941,607, A>C on the plus strand (T>G on the coding strand, the complement: IL6ST is on the minus strand). VCF-style: chr5-55941607-A-C. GRCh37 (hg19) VCF-style: chr5-55237435-A-C.
Other names: c.2049T>G, p.Ser683Arg (NM_001190981.2); c.2130T>G, p.Ser710Arg (NM_001364275.2); c.2022T>G, p.Ser674Arg (NM_001364276.2); c.1365T>G, p.Ser455Arg (NM_001364277.2); c.1329T>G, p.Ser443Arg (NM_001364278.2); c.1236T>G, p.Ser412Arg (NM_001364279.2); c.*1159T>G (NM_175767.3); short protein forms S455R, S744R, S710R, S443R, S674R, S683R, S412R.
Identifiers: ClinVar variation 2721091 (VCV002721091.3), dbSNP rs138205220, ClinGen allele CA3271188.

ClinVar aggregate classification (germline): Uncertain significance (1 of 4 stars; one submission).

Allele frequency attached by ClinVar (database versions not stated): 1000 Genomes Project 30x 0.00016; 1000 Genomes Project 0.00020.
gnomAD v4.1: 13 of 1,614,174 alleles (0.00081%); highest among the groups gnomAD compares: Admixed American, 0.022%; no homozygotes.

Submission:

Labcorp Genetics (formerly Invitae), Labcorp
Classification: Uncertain significance. Last evaluated: 2025-08-25. Review status: criteria provided, single submitter. Criteria: Invitae Variant Classification Sherloc (09022015). Collection method: clinical testing. Allele origin: germline.
Comment: This sequence change replaces serine, which is neutral and polar, with arginine, which is basic and polar, at codon 744 of the IL6ST protein (p.Ser744Arg). This variant is present in population databases (rs138205220, gnomAD 0.02%). This variant has not been reported in the literature in individuals affected with IL6ST-related conditions. ClinVar contains an entry for this variant (Variation ID: 2721091). An algorithm developed to predict the effect of missense changes on protein structure and function (PolyPhen-2) suggests that this variant is likely to be disruptive. In summary, the available evidence is currently insufficient to determine the role of this variant in disease. Therefore, it has been classified as a Variant of Uncertain Significance.